The following is an entry in ClinVar:

NM_004006.3(DMD):c.7847T>C (p.Ile2616Thr)

Gene: DMD (dystrophin; minus strand). Cytogenetic location: Xp21.1.
Variant type: single nucleotide variant.
Coding change: c.7847T>C on transcript NM_004006.3 (MANE Select); coding-DNA position 7847, T replaced by C.
Protein change: p.Ile2616Thr; replaces isoleucine 2616 with threonine.
Molecular consequence: missense variant.
Genome position (GRCh38, 1-based): chrX:31,679,400, A>G on the plus strand (T>C on the coding strand, the complement: DMD is on the minus strand). VCF-style: chrX-31679400-A-G. GRCh37 (hg19) VCF-style: chrX-31697517-A-G.
Other names: c.7823T>C, p.Ile2608Thr (NM_000109.4); c.7835T>C, p.Ile2612Thr (NM_004009.3); c.7478T>C, p.Ile2493Thr (NM_004010.3); c.3824T>C, p.Ile1275Thr (NM_004011.4); c.3815T>C, p.Ile1272Thr (NM_004012.4); c.467T>C, p.Ile156Thr (NM_004013.3, NM_004020.4, NM_004021.3 and 2 more transcripts); short protein forms I1272T, I2493T, I156T, I2616T, I2608T, I2612T, I1275T.
Identifiers: ClinVar variation 1416954 (VCV001416954.6), dbSNP rs2148732500, ClinGen allele CA412656604.

ClinVar aggregate classification (germline): Uncertain significance (1 of 4 stars; one submission).

Conditions:
Duchenne muscular dystrophy (DMD). Also called: MUSCULAR DYSTROPHY, PSEUDOHYPERTROPHIC PROGRESSIVE, DUCHENNE TYPE; Duchenne Muscular Dystrophy (DMD). Identifiers: Orphanet 98896, MedGen C0013264, MONDO:0010679, OMIM 310200.

Submission:

Labcorp Genetics (formerly Invitae), Labcorp
Classification: Uncertain significance for Duchenne muscular dystrophy. Last evaluated: 2021-09-23. Review status: criteria provided, single submitter. Criteria: Invitae Variant Classification Sherloc (09022015). Collection method: clinical testing. Allele origin: germline.
Comment: This variant is not present in population databases (ExAC no frequency). This sequence change replaces isoleucine with threonine at codon 2616 of the DMD protein (p.Ile2616Thr). The isoleucine residue is moderately conserved and there is a moderate physicochemical difference between isoleucine and threonine. This variant has not been reported in the literature in individuals affected with DMD-related conditions. Algorithms developed to predict the effect of missense changes on protein structure and function are either unavailable or do not agree on the potential impact of this missense change (SIFT: "Deleterious"; PolyPhen-2: "Benign"; Align-GVGD: "Class C65"). In summary, the available evidence is currently insufficient to determine the role of this variant in disease. Therefore, it has been classified as a Variant of Uncertain Significance.